The following is an entry in ClinVar:

NM_006031.6(PCNT):c.3263A>G (p.Lys1088Arg)

Gene: PCNT (pericentrin; plus strand). Cytogenetic location: 21q22.3.
Variant type: single nucleotide variant.
Coding change: c.3263A>G on transcript NM_006031.6 (MANE Select); coding-DNA position 3263, A replaced by G.
Protein change: p.Lys1088Arg; replaces lysine 1088 with arginine.
Molecular consequence: missense variant.
Genome position (GRCh38, 1-based): chr21:46,381,791, A>G. VCF-style: chr21-46381791-A-G. GRCh37 (hg19) VCF-style: chr21-47801706-A-G.
Other names: c.2909A>G, p.Lys970Arg (NM_001315529.2); c.3263A>G (NM_006031.5); short protein forms K1088R, K970R.
Identifiers: ClinVar variation 1516222 (VCV001516222.4), dbSNP rs536739614, ClinGen allele CA10079225.

ClinVar aggregate classification (germline): Uncertain significance. Review status: criteria provided, single submitter (1 of 4 stars). 2 submissions from 2 submitters: Uncertain significance (1). 1 of the submissions does not count toward it. Last evaluated 2022-07-23.

Conditions:
PCNT-related disorder. Also called: PCNT-related condition.

Allele frequency attached by ClinVar (database versions not stated): gnomAD exomes 0.00001; ExAC 0.00002; gnomAD 0.00002 and 0.00003; TOPMed 0.00002.
gnomAD v4.1: 17 of 1,614,236 alleles (0.0011%); highest among the groups gnomAD compares: East Asian, 0.018%; no homozygotes.

Submissions (2):

Labcorp Genetics (formerly Invitae), Labcorp
Classification: Uncertain significance. Last evaluated: 2022-07-23. Review status: criteria provided, single submitter. Criteria: Invitae Variant Classification Sherloc (09022015). Collection method: clinical testing. Allele origin: germline.
Comment: This sequence change replaces lysine, which is basic and polar, with arginine, which is basic and polar, at codon 1088 of the PCNT protein (p.Lys1088Arg). This variant is present in population databases (rs536739614, gnomAD 0.02%). This variant has not been reported in the literature in individuals affected with PCNT-related conditions. ClinVar contains an entry for this variant (Variation ID: 1516222). Algorithms developed to predict the effect of missense changes on protein structure and function output the following: SIFT: "Tolerated"; PolyPhen-2: "Benign"; Align-GVGD: "Class C0". The arginine amino acid residue is found in multiple mammalian species, which suggests that this missense change does not adversely affect protein function. In summary, the available evidence is currently insufficient to determine the role of this variant in disease. Therefore, it has been classified as a Variant of Uncertain Significance.

PreventionGenetics, part of Exact Sciences
Classification: Uncertain significance for PCNT-related condition. Last evaluated: 2024-05-30. Review status: no assertion criteria provided. Collection method: clinical testing. Allele origin: germline. Not counted in ClinVar's aggregate classification.
Comment: The PCNT c.3263A>G variant is predicted to result in the amino acid substitution p.Lys1088Arg. To our knowledge, this variant has not been reported in the literature. This variant is reported in 0.015% of alleles in individuals of East Asian descent in gnomAD. At this time, the clinical significance of this variant is uncertain due to the absence of conclusive functional and genetic evidence.